The following is an entry in ClinVar:

ClinVar aggregate classification (germline): Pathogenic. Review status: criteria provided, single submitter (1 of 4 stars). 2 submissions from 2 submitters: Pathogenic (1). 1 of the submissions does not count toward it. Last evaluated 2022-08-25.

Conditions:
Alzheimer disease 3 (AD3). Also called: ALZHEIMER DISEASE, FAMILIAL, 3. Identifiers: Orphanet 1020, MedGen C1843013, MONDO:0011913, OMIM 607822.
Acne inversa, familial, 3 (ACNINV3). Identifiers: MedGen C3151038, MONDO:0013398, OMIM 613737.
Frontotemporal dementia (FTD1). Also called: Frontotemporal Dementia with Parkinsonism-17 (FTDP-17); FRONTOTEMPORAL DEMENTIA WITH PARKINSONISM; FRONTOTEMPORAL LOBE DEMENTIA; MULTIPLE SYSTEM TAUOPATHY WITH PRESENILE DEMENTIA; Dementia, frontotemporal, with or without parkinsonism; WILHELMSEN-LYNCH DISEASE. Identifiers: Orphanet 282, MedGen C0338451, MONDO:0017276, OMIM 600274, HP:0002145.
Pick disease. Also called: PICK DISEASE OF BRAIN; DEMENTIA WITH LOBAR ATROPHY AND NEURONAL CYTOPLASMIC INCLUSIONS; LOBAR ATROPHY OF BRAIN; Pick's disease; Pick Disease of the Brain. Identifiers: Orphanet 282, MedGen C0236642, MONDO:0008243, OMIM 172700.

Submissions (2):

Labcorp Genetics (formerly Invitae), Labcorp
Classification: Pathogenic for Alzheimer disease 3; Pick disease; Acne inversa, familial, 3; Frontotemporal dementia. Last evaluated: 2022-08-25. Review status: criteria provided, single submitter. Criteria: Invitae Variant Classification Sherloc (09022015). Collection method: clinical testing. Allele origin: germline.
Comment: This sequence change replaces leucine, which is neutral and non-polar, with proline, which is neutral and non-polar, at codon 171 of the PSEN1 protein (p.Leu171Pro). This variant is not present in population databases (gnomAD no frequency). This missense change has been observed in individuals with early-onset Alzheimer disease (PMID: 9833068, 12552037, 27777022). ClinVar contains an entry for this variant (Variation ID: 98042). Advanced modeling of protein sequence and biophysical properties (such as structural, functional, and spatial information, amino acid conservation, physicochemical variation, residue mobility, and thermodynamic stability) performed at Invitae indicates that this missense variant is expected to disrupt PSEN1 protein function. Experimental studies have shown that this missense change affects PSEN1 function (PMID: 27930341). For these reasons, this variant has been classified as Pathogenic.

VIB  Department of Molecular Genetics, University of Antwerp
No classification provided. Review status: no classification provided. Collection method: not provided. Allele origin: not provided. Not counted in ClinVar's aggregate classification.

Literature cited by the submitters: PubMed 9833068 (cited by Labcorp Genetics (formerly Invitae), Labcorp); PubMed 12552037 (cited by Labcorp Genetics (formerly Invitae), Labcorp); PubMed 27777022 (cited by Labcorp Genetics (formerly Invitae), Labcorp); PubMed 27930341 (cited by Labcorp Genetics (formerly Invitae), Labcorp).

NM_000021.4(PSEN1):c.512T>C (p.Leu171Pro)

Gene: PSEN1 (presenilin 1; plus strand). Cytogenetic location: 14q24.2.
Variant type: single nucleotide variant.
Coding change: c.512T>C on transcript NM_000021.4 (MANE Select); coding-DNA position 512, T replaced by C.
Protein change: p.Leu171Pro; replaces leucine 171 with proline.
Molecular consequence: missense variant.
Genome position (GRCh38, 1-based): chr14:73,186,884, T>C. VCF-style: chr14-73186884-T-C. GRCh37 (hg19) VCF-style: chr14-73653592-T-C.
Other names: c.500T>C, p.Leu167Pro (NM_007318.3); short protein forms L171P, L167P.
Identifiers: ClinVar variation 98042 (VCV000098042.6), dbSNP rs63750963, ClinGen allele CA225048.